The following is an entry in ClinVar:

NM_000264.5(PTCH1):c.857A>G (p.Glu286Gly)

Gene: PTCH1 (patched 1; minus strand). Cytogenetic location: 9q22.32.
Variant type: single nucleotide variant.
Coding change: c.857A>G on transcript NM_000264.5 (MANE Select); coding-DNA position 857, A replaced by G.
Protein change: p.Glu286Gly; replaces glutamic acid 286 with glycine.
Molecular consequence: missense variant. On other transcripts: non-coding transcript variant (1).
Genome position (GRCh38, 1-based): chr9:95,480,478, T>C on the plus strand (A>G on the coding strand, the complement: PTCH1 is on the minus strand). VCF-style: chr9-95480478-T-C. GRCh37 (hg19) VCF-style: chr9-98242760-T-C.
Other names: c.659A>G, p.Glu220Gly (NM_001083602.3); c.854A>G, p.Glu285Gly (NM_001083603.3); c.404A>G, p.Glu135Gly (NM_001083604.3, NM_001083605.3, NM_001083606.3 and 1 more transcripts); c.857A>G, p.Glu286Gly (NM_001354918.2); short protein forms E135G, E220G, E285G, E286G.
Identifiers: ClinVar variation 1716481 (VCV001716481.6), dbSNP rs2118419081, ClinGen allele CA374114000.

ClinVar aggregate classification (germline): Uncertain significance (1 of 4 stars; one submission).

Conditions:
Gorlin syndrome. Also called: Nevoid Basal Cell Carcinoma Syndrome; Basal cell nevus syndrome. Identifiers: Orphanet 377, MedGen C0004779, MONDO:0007187.

Submission:

Labcorp Genetics (formerly Invitae), Labcorp
Classification: Uncertain significance for Gorlin syndrome. Last evaluated: 2022-08-16. Review status: criteria provided, single submitter. Criteria: Invitae Variant Classification Sherloc (09022015). Collection method: clinical testing. Allele origin: germline.
Comment: In summary, the available evidence is currently insufficient to determine the role of this variant in disease. Therefore, it has been classified as a Variant of Uncertain Significance. Advanced modeling of protein sequence and biophysical properties (such as structural, functional, and spatial information, amino acid conservation, physicochemical variation, residue mobility, and thermodynamic stability) performed at Invitae indicates that this missense variant is not expected to disrupt PTCH1 protein function. This variant has not been reported in the literature in individuals affected with PTCH1-related conditions. This variant is not present in population databases (gnomAD no frequency). This sequence change replaces glutamic acid, which is acidic and polar, with glycine, which is neutral and non-polar, at codon 286 of the PTCH1 protein (p.Glu286Gly).